The following is an entry in ClinVar:

NM_003119.4(SPG7):c.1996G>C (p.Gly666Arg)

Gene: SPG7 (SPG7 matrix AAA peptidase subunit, paraplegin; plus strand). Cytogenetic location: 16q24.3.
Variant type: single nucleotide variant.
Coding change: c.1996G>C on transcript NM_003119.4 (MANE Select); coding-DNA position 1996, G replaced by C.
Protein change: p.Gly666Arg; replaces glycine 666 with arginine.
Molecular consequence: missense variant.
Genome position (GRCh38, 1-based): chr16:89,553,853, G>C. VCF-style: chr16-89553853-G-C. GRCh37 (hg19) VCF-style: chr16-89620261-G-C.
Other names: c.1996G>C, p.Gly666Arg (NM_001363850.1); short protein forms G666R.
Identifiers: ClinVar variation 216571 (VCV000216571.17), dbSNP rs752989523, ClinGen allele CA339302.

ClinVar aggregate classification (germline): Pathogenic/Likely pathogenic. Review status: criteria provided, multiple submitters, no conflicts (2 of 4 stars). 5 submissions from 5 submitters: Pathogenic (2); Likely pathogenic (2). 1 of the submissions does not count toward it. Last evaluated 2025-03-21.

Conditions:
SPG7-related disorder. Also called: SPG7-related condition.
Hereditary spastic paraplegia 7 (SPG7). Also called: Spastic paraplegia 7; Hereditary spastic paraplegia Paraplegin type; Autosomal recessive spastic paraplegia type 7; SPASTIC PARAPLEGIA 7, AUTOSOMAL RECESSIVE, WITH OR WITHOUT CEREBELLAR ATAXIA; SPG7-related neurologic disorder. Identifiers: Orphanet 99013, MedGen C1846564, MONDO:0011803, OMIM 607259.

Allele frequency attached by ClinVar (database versions not stated): ExAC 0.00002; TOPMed 0.00002; gnomAD exomes 0.00001.
gnomAD v4.1: 5 of 1,613,424 alleles (0.00031%); highest among the groups gnomAD compares: Non-Finnish European, 0.00042%; no homozygotes.

Submissions (5):

Labcorp Genetics (formerly Invitae), Labcorp
Classification: Pathogenic for Hereditary spastic paraplegia 7. Last evaluated: 2025-03-21. Review status: criteria provided, single submitter. Criteria: Invitae Variant Classification Sherloc (09022015). Collection method: clinical testing. Allele origin: germline.
Comment: This sequence change replaces glycine, which is neutral and non-polar, with arginine, which is basic and polar, at codon 666 of the SPG7 protein (p.Gly666Arg). This variant is present in population databases (rs752989523, gnomAD 0.002%). This missense change has been observed in individual(s) with hereditary spastic paraplegia (PMID: 23733235; internal data). In at least one individual the data is consistent with being in trans (on the opposite chromosome) from a pathogenic variant. It has also been observed to segregate with disease in related individuals. ClinVar contains an entry for this variant (Variation ID: 216571). Invitae Evidence Modeling of protein sequence and biophysical properties (such as structural, functional, and spatial information, amino acid conservation, physicochemical variation, residue mobility, and thermodynamic stability) indicates that this missense variant is expected to disrupt SPG7 protein function with a positive predictive value of 80%. For these reasons, this variant has been classified as Pathogenic.

GeneDx
Classification: Likely pathogenic. Last evaluated: 2023-04-26. Review status: criteria provided, single submitter. Criteria: GeneDx Variant Classification Process June 2021. Collection method: clinical testing. Allele origin: germline. Affected: yes.
Comment: Not observed at significant frequency in large population cohorts (gnomAD); In silico analysis supports that this missense variant has a deleterious effect on protein structure/function; Reported previously, along with a second variant, in individuals with spastic paraplegia (Yoon et al., 2013).; This variant is associated with the following publications: (PMID: 23733235, 22571692)

PROSPAX: an integrated multimodal progression  chart in spastic ataxias, Center for Neurology; Hertie-Institute for Clinical Brain Research
Classification: Pathogenic for Hereditary spastic paraplegia 7. Last evaluated: 2022-01-01. Review status: criteria provided, single submitter. Criteria: ACMG Guidelines, 2015. Collection method: research. Allele origin: germline. Affected: yes. Observed: 3 variant alleles, 3 compound heterozygotes.

Blueprint Genetics
Classification: Likely pathogenic for SPG7-related disorders. Last evaluated: 2021-12-22. Review status: criteria provided, single submitter. Criteria: ACMG Guidelines, 2015. Collection method: clinical testing. Allele origin: germline. Affected: yes. Observed: 3 variant alleles.

Genetic Services Laboratory, University of Chicago
Classification: Likely pathogenic. Last evaluated: 2022-09-25. Review status: no assertion criteria provided. Collection method: clinical testing. Allele origin: germline. Affected: yes. Not counted in ClinVar's aggregate classification.
Comment: DNA sequence analysis of the SPG7 gene demonstrated a sequence change, c.1996G>C, in exon 15 that results in an amino acid change, p.Gly666Arg. The p.Gly666Arg change affects a highly conserved amino acid residue located in a domain of the SPG7 protein that is known to be functional. The p.Gly666Arg substitution appears to be deleterious using several in-silico pathogenicity prediction tools (SIFT, PolyPhen2, Align GVGD, REVEL). This particular amino acid change has been described in the literature in trans with a pathogenic variant in two individuals with spastic paraplegia (PMID: 23733235). This sequence change has been described in the gnomAD database with a frequency of 0.0008% in the overall population (dbSNP rs752989523). These collective evidences indicate that this sequence change is likely pathogenic.

Literature cited by the submitters: PubMed 23733235 (cited by Labcorp Genetics (formerly Invitae), Labcorp).